The following is an entry in ClinVar:

NM_000245.4(MET):c.3596A>G (p.Lys1199Arg)

Gene: MET (MET proto-oncogene, receptor tyrosine kinase; plus strand). Cytogenetic location: 7q31.2.
Variant type: single nucleotide variant.
Coding change: c.3596A>G on transcript NM_000245.4 (MANE Select); coding-DNA position 3596, A replaced by G.
Protein change: p.Lys1199Arg; replaces lysine 1199 with arginine.
Molecular consequence: missense variant.
Genome position (GRCh38, 1-based): chr7:116,782,061, A>G. VCF-style: chr7-116782061-A-G. GRCh37 (hg19) VCF-style: chr7-116422115-A-G.
Other names: c.3650A>G (NM_001127500.1); c.3650A>G, p.Lys1217Arg (NM_001127500.3); c.2306A>G, p.Lys769Arg (NM_001324402.2); short protein forms K1199R, K1217R, K769R.
Identifiers: ClinVar variation 1417134 (VCV001417134.10), dbSNP rs2117060357, ClinGen allele CA368991135.

ClinVar aggregate classification (germline): Uncertain significance. Review status: criteria provided, multiple submitters, no conflicts (2 of 4 stars). 2 submissions from 2 submitters: Uncertain significance (2). Last evaluated 2025-12-08.

Conditions:
Renal cell carcinoma. Identifiers: Orphanet 217071, MedGen C0007134, MeSH D002292, MONDO:0005086, HP:0005584.
Hereditary cancer-predisposing syndrome. Also called: Hereditary Cancer Syndrome; Tumor predisposition; Hereditary neoplastic syndrome; Neoplastic Syndromes, Hereditary. Identifiers: Orphanet 140162, MedGen C0027672, MeSH D009386, MONDO:0015356.

Submissions (2):

Ambry Genetics
Classification: Uncertain significance for Hereditary cancer-predisposing syndrome. Last evaluated: 2025-12-08. Review status: criteria provided, single submitter. Criteria: Ambry Variant Classification Scheme 2023. Collection method: clinical testing. Allele origin: germline.
Comment: The p.K1217R variant (also known as c.3650A>G), located in coding exon 17 of the MET gene, results from an A to G substitution at nucleotide position 3650. The lysine at codon 1217 is replaced by arginine, an amino acid with highly similar properties. This amino acid position is conserved. In addition, the in silico prediction for this alteration is inconclusive. Since supporting evidence is limited at this time, the clinical significance of this alteration remains unclear.

Labcorp Genetics (formerly Invitae), Labcorp
Classification: Uncertain significance for Renal cell carcinoma. Last evaluated: 2024-08-05. Review status: criteria provided, single submitter. Criteria: Invitae Variant Classification Sherloc (09022015). Collection method: clinical testing. Allele origin: germline.
Comment: This sequence change replaces lysine, which is basic and polar, with arginine, which is basic and polar, at codon 1217 of the MET protein (p.Lys1217Arg). This variant is not present in population databases (gnomAD no frequency). This variant has not been reported in the literature in individuals affected with MET-related conditions. ClinVar contains an entry for this variant (Variation ID: 1417134). Advanced modeling of protein sequence and biophysical properties (such as structural, functional, and spatial information, amino acid conservation, physicochemical variation, residue mobility, and thermodynamic stability) performed at Invitae indicates that this missense variant is expected to disrupt MET protein function with a positive predictive value of 80%. In summary, the available evidence is currently insufficient to determine the role of this variant in disease. Therefore, it has been classified as a Variant of Uncertain Significance.